The following is an entry in ClinVar:

ClinVar aggregate classification (germline): Uncertain significance. Review status: criteria provided, multiple submitters, no conflicts (2 of 4 stars). 2 submissions from 2 submitters: Uncertain significance (2). Last evaluated 2025-05-21.

Conditions:
Inborn genetic diseases. Identifiers: MedGen C0950123, MeSH D030342.
Neuropathy, hereditary sensory and autonomic, type 2A (HSAN2A). Also called: ACROOSTEOLYSIS, GIACCAI TYPE; ACROOSTEOLYSIS, NEUROGENIC; HSAN IIA; WNK1-Related HSAN2 (HSAN2A); MORVAN DISEASE; NEUROPATHY, CONGENITAL SENSORY. Identifiers: Orphanet 970, MedGen C2752089, MONDO:0024309, OMIM 201300.
Generalized epilepsy with febrile seizures plus, type 7 (GEFSP7). Also called: GEFS+, TYPE 7. Identifiers: Orphanet 36387, MedGen C2751778, MONDO:0013470, OMIM 613863.

Submissions (2):

Labcorp Genetics (formerly Invitae), Labcorp
Classification: Uncertain significance for Neuropathy, hereditary sensory and autonomic, type 2A; Generalized epilepsy with febrile seizures plus, type 7. Last evaluated: 2025-05-21. Review status: criteria provided, single submitter. Criteria: Invitae Variant Classification Sherloc (09022015). Collection method: clinical testing. Allele origin: germline.
Comment: This sequence change replaces aspartic acid, which is acidic and polar, with glutamic acid, which is acidic and polar, at codon 1967 of the SCN9A protein (p.Asp1967Glu). This variant is not present in population databases (gnomAD no frequency). This variant has not been reported in the literature in individuals affected with SCN9A-related conditions. ClinVar contains an entry for this variant (Variation ID: 3316629). Invitae Evidence Modeling of protein sequence and biophysical properties (such as structural, functional, and spatial information, amino acid conservation, physicochemical variation, residue mobility, and thermodynamic stability) has been performed for this missense variant. However, the output from this modeling did not meet the statistical confidence thresholds required to predict the impact of this variant on SCN9A protein function. In summary, the available evidence is currently insufficient to determine the role of this variant in disease. Therefore, it has been classified as a Variant of Uncertain Significance.

Ambry Genetics
Classification: Uncertain significance for Inborn genetic diseases. Last evaluated: 2024-04-09. Review status: criteria provided, single submitter. Criteria: Ambry Variant Classification Scheme 2023. Collection method: clinical testing. Allele origin: germline.

NM_001365536.1(SCN9A):c.5934C>G (p.Asp1978Glu)

Genes: SCN1A-AS1 (SCN1A and SCN9A antisense RNA 1; plus strand), SCN9A (sodium voltage-gated channel alpha subunit 9; minus strand). Cytogenetic location: 2q24.3.
Variant type: single nucleotide variant.
Coding change: c.5934C>G on transcript NM_001365536.1 (MANE Select); coding-DNA position 5934, C replaced by G.
Protein change: p.Asp1978Glu; replaces aspartic acid 1978 with glutamic acid.
Molecular consequence: missense variant.
Genome position (GRCh38, 1-based): chr2:166,198,705, G>C on the plus strand (C>G on the coding strand, the complement: SCN9A is on the minus strand). VCF-style: chr2-166198705-G-C. GRCh37 (hg19) VCF-style: chr2-167055215-G-C.
Other names: c.5901C>G, p.Asp1967Glu (NM_002977.4); short protein forms D1967E, D1978E.
Identifiers: ClinVar variation 3316629 (VCV003316629.2).
Genomic context (GRCh38, chr2:166,198,705, plus strand): 5'-TGTAAACAATATATCAAAAATGAAGCTCTATTTTTTGCTTTCCTTGCTGTCTTTCCCTTT[G>C]TCTTCCTTTTCTGTTCTGTCTTGTTCATATTTCTCTTTGTCTGGCTTTGTTACACTATCA-3'
Protein context (NP_001352465.1, residues 1968-1988): KYEQDRTEKE[Asp1978Glu]KGKDSKESKK